The following is an entry in ClinVar:

ClinVar aggregate classification (germline): Uncertain significance (1 of 4 stars; one submission).

Submission:

New York Genome Center
Classification: Uncertain significance. Last evaluated: 2021-06-25. Review status: criteria provided, single submitter. Criteria: NYGC Assertion Criteria 2020. Collection method: clinical testing. Allele origin: inherited. Observed: 1 variant allele. Study: CSER-NYCKidSeq.
Comment: The exact duplication seen here is not reported before in the literature. However, a Microtriplication overlapping with this duplication has been reported in two unrelated patients whose clinical features include distinctive facial dysmorphisms, short stature with small extremities, keratoconus, overweight, and intellectual disability [PMID: 21617255]. Seizures were not reported in both patients [PMID: 21617255]. Based on the available evidence, the inherited ~1.26Mb duplication identified on 11q24.1 is reported as a variant of uncertain significance.

Single allele

Genes: JHY (junctional cadherin complex regulator; plus strand), LINC02727 (long intergenic non-protein coding RNA 2727; minus strand), BSX (brain specific homeobox; minus strand), CLMP (CXADR like membrane protein; minus strand), CRTAM (cytotoxic and regulatory T cell molecule; plus strand) and 49 more. Cytogenetic location: 11q24.1.
Variant type: Duplication.
Identifiers: ClinVar variation 1679730 (VCV001679730.1).